The following is an entry in ClinVar:

ClinVar aggregate classification (germline): Uncertain significance (1 of 4 stars; one submission).

Allele frequency attached by ClinVar (database versions not stated): TOPMed 0.00001; ExAC 0.00001.
gnomAD v4.1: 4 of 1,601,996 alleles (0.00025%); highest among the groups gnomAD compares: Non-Finnish European, 0.00025%; no homozygotes.

Submission:

Labcorp Genetics (formerly Invitae), Labcorp
Classification: Uncertain significance. Last evaluated: 2024-09-03. Review status: criteria provided, single submitter. Criteria: Invitae Variant Classification Sherloc (09022015). Collection method: clinical testing. Allele origin: germline.
Comment: This sequence change replaces glutamine, which is neutral and polar, with lysine, which is basic and polar, at codon 384 of the TCIRG1 protein (p.Gln384Lys). This variant is present in population databases (rs573145198, gnomAD 0.002%). This variant has not been reported in the literature in individuals affected with TCIRG1-related conditions. ClinVar contains an entry for this variant (Variation ID: 1445593). Invitae Evidence Modeling of protein sequence and biophysical properties (such as structural, functional, and spatial information, amino acid conservation, physicochemical variation, residue mobility, and thermodynamic stability) indicates that this missense variant is not expected to disrupt TCIRG1 protein function with a negative predictive value of 80%. In summary, the available evidence is currently insufficient to determine the role of this variant in disease. Therefore, it has been classified as a Variant of Uncertain Significance.

NM_006019.4(TCIRG1):c.1150C>A (p.Gln384Lys)

Gene: TCIRG1 (T cell immune regulator 1, ATPase H+ transporting V0 subunit a3; plus strand). Cytogenetic location: 11q13.2.
Variant type: single nucleotide variant.
Coding change: c.1150C>A on transcript NM_006019.4 (MANE Select); coding-DNA position 1150, C replaced by A.
Protein change: p.Gln384Lys; replaces glutamine 384 with lysine.
Molecular consequence: missense variant.
Genome position (GRCh38, 1-based): chr11:68,045,087, C>A. VCF-style: chr11-68045087-C-A. GRCh37 (hg19) VCF-style: chr11-67812554-C-A.
Other names: c.256C>A, p.Gln86Lys (NM_001351059.2); c.502C>A, p.Gln168Lys (NM_006053.4); short protein forms Q384K, Q168K, Q86K.
Identifiers: ClinVar variation 1445593 (VCV001445593.6), dbSNP rs573145198, ClinGen allele CA6146962.